The following is an entry in ClinVar:

ClinVar aggregate classification (germline): Conflicting classifications of pathogenicity. Review status: criteria provided, conflicting classifications (1 of 4 stars). 14 submissions from 14 submitters: Uncertain significance (1); Benign (1); Likely benign (10). 2 of the submissions do not count toward it. Last evaluated 2026-09-01.

Conditions:
Wilson disease (WND). Also called: Wilson's disease. Identifiers: Orphanet 905, MedGen C0019202, MONDO:0010200, OMIM 277900. Disease mechanism: loss of function.
ATP7B-related disorder. Also called: ATP7B-related condition.
Inborn genetic diseases. Identifiers: MedGen C0950123, MeSH D030342.

Allele frequency attached by ClinVar (database versions not stated): ESP Exome Variant Server 0.00033; ExAC 0.00046; gnomAD exomes 0.00058; gnomAD 0.00076 and 0.00078; 1000 Genomes Project 0.00080; 1000 Genomes Project 30x 0.00109; TOPMed 0.00121.
gnomAD v4.1: 930 of 1,614,164 alleles (0.058%); highest among the groups gnomAD compares: Admixed American, 0.33%; 1 homozygote.

Submissions (14):

CeGaT Center for Human Genetics Tuebingen
Classification: Likely benign. Last evaluated: 2026-09-01. Review status: criteria provided, single submitter. Criteria: CeGaT Center For Human Genetics Tuebingen Variant Classification Criteria Version 2. Collection method: clinical testing. Allele origin: germline. Affected: yes. Observed: 9 variant alleles.
Comment: ATP7B: BP4, BP7

Labcorp Genetics (formerly Invitae), Labcorp
Classification: Benign for Wilson disease. Last evaluated: 2026-01-28. Review status: criteria provided, single submitter. Criteria: Invitae Variant Classification Sherloc (09022015). Collection method: clinical testing. Allele origin: germline.

Mayo Clinic Laboratories, Mayo Clinic
Classification: Likely benign. Last evaluated: 2025-08-28. Review status: criteria provided, single submitter. Criteria: ACMG Guidelines, 2015. Collection method: clinical testing. Allele origin: germline. Observed: 4 variant alleles.
Comment: BP4, BP7

Blueprint Genetics
Classification: Likely benign. Last evaluated: 2024-11-26. Review status: criteria provided, single submitter. Criteria: ACMG Guidelines, 2015. Collection method: clinical testing. Allele origin: germline.

All of Us Research Program, National Institutes of Health
Classification: Likely benign for Wilson disease. Last evaluated: 2024-09-23. Review status: criteria provided, single submitter. Criteria: ACMG Guidelines, 2015. Collection method: clinical testing. Allele origin: germline. Inheritance: Autosomal recessive inheritance. Observed: 187 variant alleles, 187 heterozygotes.
Comment: This study involves interpretation of variants in research participants for the purpose of population health screening. Participant phenotype was not available at the time of variant classification. Additional details can be found in publication PMID: 35346344, PMCID: PMC8962531

Color Diagnostics, LLC DBA Color Health
Classification: Likely benign for Wilson disease. Last evaluated: 2022-08-05. Review status: criteria provided, single submitter. Criteria: ACMG Guidelines, 2015. Collection method: clinical testing. Allele origin: germline.

Ambry Genetics
Classification: Likely benign for Inborn genetic diseases. Last evaluated: 2022-06-12. Review status: criteria provided, single submitter. Criteria: Ambry Variant Classification Scheme 2023. Collection method: clinical testing. Allele origin: germline.

ARUP Laboratories, Molecular Genetics and Genomics, ARUP Laboratories
Classification: Likely benign for Wilson disease. Last evaluated: 2021-11-11. Review status: criteria provided, single submitter. Criteria: ARUP Molecular Germline Variant Investigation Process 2021. Collection method: clinical testing. Allele origin: germline.

Genome-Nilou Lab
Classification: Likely benign for Wilson disease. Last evaluated: 2021-08-10. Review status: criteria provided, single submitter. Criteria: ACMG Guidelines, 2015. Collection method: clinical testing. Allele origin: germline. Affected: no.

GeneDx
Classification: Likely benign. Last evaluated: 2021-01-19. Review status: criteria provided, single submitter. Criteria: GeneDx Variant Classification Process June 2021. Collection method: clinical testing. Allele origin: germline. Affected: yes.

Women's Health and Genetics/Laboratory Corporation of America, LabCorp
Classification: Likely benign. Last evaluated: 2019-08-21. Review status: criteria provided, single submitter. Criteria: LabCorp Variant Classification Summary - May 2015. Collection method: clinical testing. Allele origin: germline.

Eurofins Ntd Llc (ga)
Classification: Uncertain significance. Last evaluated: 2017-01-24. Review status: criteria provided, single submitter. Criteria: EGL Classification Definitions 2015. Collection method: clinical testing. Allele origin: germline. Observed: 1 variant allele, 1 heterozygote.

PreventionGenetics, part of Exact Sciences
Classification: Likely benign for ATP7B-related condition. Last evaluated: 2021-08-25. Review status: no assertion criteria provided. Collection method: clinical testing. Allele origin: germline. Not counted in ClinVar's aggregate classification.
Comment: This variant is classified as likely benign based on ACMG/AMP sequence variant interpretation guidelines (Richards et al. 2015 PMID: 25741868, with internal and published modifications).

Natera, Inc.
Classification: Likely benign for Wilson disease. Last evaluated: 2020-04-15. Review status: no assertion criteria provided. Collection method: clinical testing. Allele origin: germline. Not counted in ClinVar's aggregate classification.

Literature cited by the submitters: PubMed 35637795 (cited by Mayo Clinic Laboratories, Mayo Clinic).

NM_000053.4(ATP7B):c.3405A>G (p.Ala1135=)

Gene: ATP7B (ATPase copper transporting beta; minus strand). Cytogenetic location: 13q14.3.
Variant type: single nucleotide variant.
Coding change: c.3405A>G on transcript NM_000053.4 (MANE Select); coding-DNA position 3405, A replaced by G.
Protein change: p.Ala1135=; no amino-acid change (alanine 1135 retained).
Molecular consequence: synonymous variant.
Genome position (GRCh38, 1-based): chr13:51,942,393, T>C on the plus strand (A>G on the coding strand, the complement: ATP7B is on the minus strand). VCF-style: chr13-51942393-T-C. GRCh37 (hg19) VCF-style: chr13-52516529-T-C.
Other names: p.Ala1135=; c.2784A>G, p.Ala928= (NM_001005918.3); c.3072A>G, p.Ala1024= (NM_001243182.2); c.3171A>G, p.Ala1057= (NM_001330578.2); c.3153A>G, p.Ala1051= (NM_001330579.2).
Identifiers: ClinVar variation 386708 (VCV000386708.55), dbSNP rs373081328, ClinGen allele CA6988717.